The following is an entry in ClinVar:

NM_000188.3(HK1):c.1186C>T (p.Arg396Cys)

Gene: HK1 (hexokinase 1; plus strand). Cytogenetic location: 10q22.1.
Variant type: single nucleotide variant.
Coding change: c.1186C>T on transcript NM_000188.3 (MANE Select); coding-DNA position 1186, C replaced by T.
Protein change: p.Arg396Cys; replaces arginine 396 with cysteine.
Molecular consequence: missense variant.
Genome position (GRCh38, 1-based): chr10:69,380,016, C>T. VCF-style: chr10-69380016-C-T. GRCh37 (hg19) VCF-style: chr10-71139772-C-T.
Other names: c.1198C>T, p.Arg400Cys (NM_001322364.2, NM_001358263.1, NM_033497.3 and 1 more transcripts); c.1291C>T, p.Arg431Cys (NM_001322365.2); c.1102C>T, p.Arg368Cys (NM_001322366.1); c.1090C>T, p.Arg364Cys (NM_001322367.1); c.1183C>T, p.Arg395Cys (NM_033496.3); c.1150C>T, p.Arg384Cys (NM_033500.2); c.1186C>T (NM_000188.2); short protein forms R364C, R368C, R384C, R395C, R396C, R400C, R431C.
Identifiers: ClinVar variation 1008567 (VCV001008567.13), dbSNP rs541193570, ClinGen allele CA5532528.
Genomic context (GRCh38, chr10:69,380,016, plus strand): 5'-ACCATTGTCTCATTTCGCTCAGCCAACTTGGTGGCTGCCACACTGGGCGCCATCTTGAAC[C>T]GCCTGCGTGATAACAAGGGCACACCCAGGCTGCGGACCACGGTTGGTGTCGACGGATCTC-3'
Protein context (NP_000179.2, residues 386-406): VAATLGAILN[Arg396Cys]LRDNKGTPRL

ClinVar aggregate classification (germline): Uncertain significance. Review status: criteria provided, multiple submitters, no conflicts (2 of 4 stars). 3 submissions from 3 submitters: Uncertain significance (3). Last evaluated 2025-09-15.

Conditions:
HK1-related disorder. Also called: HK1-related condition; HK1-related disorders.

Allele frequency attached by ClinVar (database versions not stated): gnomAD 0.00002 and 0.00003; gnomAD exomes 0.00002 and 0.00003; TOPMed 0.00008; ExAC 0.00002; 1000 Genomes Project 30x 0.00016; 1000 Genomes Project 0.00020.
gnomAD v4.1: 52 of 1,614,162 alleles (0.0032%); highest among the groups gnomAD compares: South Asian, 0.0055%; no homozygotes.

Submissions (3):

PreventionGenetics, part of Exact Sciences
Classification: Uncertain significance for HK1-related condition. Last evaluated: 2025-09-15. Review status: criteria provided, single submitter. Criteria: ACMG Guidelines, 2015. Collection method: clinical testing. Allele origin: germline.
Comment: The HK1 c.1186C>T variant is predicted to result in the amino acid substitution p.Arg396Cys. To our knowledge, this variant has not been reported in the literature in individuals with HK1-related disorders. This variant is reported in 0.0040% of alleles in individuals of African descent in gnomAD. At this time, the clinical significance of this variant is uncertain due to the absence of conclusive functional and genetic evidence.

Labcorp Genetics (formerly Invitae), Labcorp
Classification: Uncertain significance. Last evaluated: 2025-06-24. Review status: criteria provided, single submitter. Criteria: Invitae Variant Classification Sherloc (09022015). Collection method: clinical testing. Allele origin: germline.
Comment: This sequence change replaces arginine, which is basic and polar, with cysteine, which is neutral and slightly polar, at codon 396 of the HK1 protein (p.Arg396Cys). This variant is present in population databases (rs541193570, gnomAD 0.004%). This variant has not been reported in the literature in individuals affected with HK1-related conditions. ClinVar contains an entry for this variant (Variation ID: 1008567). Invitae Evidence Modeling of protein sequence and biophysical properties (such as structural, functional, and spatial information, amino acid conservation, physicochemical variation, residue mobility, and thermodynamic stability) indicates that this missense variant is not expected to disrupt HK1 protein function with a negative predictive value of 80%. In summary, the available evidence is currently insufficient to determine the role of this variant in disease. Therefore, it has been classified as a Variant of Uncertain Significance.

ARUP Laboratories, Molecular Genetics and Genomics, ARUP Laboratories
Classification: Uncertain significance. Last evaluated: 2024-08-01. Review status: criteria provided, single submitter. Criteria: ARUP Molecular Germline Variant Investigation Process 2024. Collection method: clinical testing. Allele origin: germline.
Comment: The HK1 c.1186C>T; p.Arg396Cys variant (rs541193570), to our knowledge, is not reported in the medical literature but is reported in ClinVar (Variation ID: 1008567). This variant is found in the general population with an overall allele frequency of 0.0017% (5/282818 alleles) in the Genome Aggregation Database (v2.1.1). Computational analyses predict that this variant is deleterious (REVEL: 0.809). Due to limited information, the clinical significance of this variant is uncertain at this time.